The following is an entry in ClinVar:

ClinVar aggregate classification (germline): Uncertain significance (1 of 4 stars; one submission).

Allele frequency attached by ClinVar (database versions not stated): gnomAD exomes below 0.00001.
gnomAD v4.1: 2 of 1,502,022 alleles (0.00013%); highest among the groups gnomAD compares: East Asian, 0.0023%; no homozygotes.

Submission:

Labcorp Genetics (formerly Invitae), Labcorp
Classification: Uncertain significance. Last evaluated: 2023-10-13. Review status: criteria provided, single submitter. Criteria: Invitae Variant Classification Sherloc (09022015). Collection method: clinical testing. Allele origin: germline.
Comment: This sequence change replaces glycine, which is neutral and non-polar, with glutamic acid, which is acidic and polar, at codon 473 of the IL2RB protein (p.Gly473Glu). This variant is not present in population databases (gnomAD no frequency). This variant has not been reported in the literature in individuals affected with IL2RB-related conditions. ClinVar contains an entry for this variant (Variation ID: 1429022). Algorithms developed to predict the effect of missense changes on protein structure and function output the following: SIFT: "Not Available"; PolyPhen-2: "Benign"; Align-GVGD: "Not Available". The glutamic acid amino acid residue is found in multiple mammalian species, which suggests that this missense change does not adversely affect protein function. In summary, the available evidence is currently insufficient to determine the role of this variant in disease. Therefore, it has been classified as a Variant of Uncertain Significance.

NM_000878.5(IL2RB):c.1418G>A (p.Gly473Glu)

Gene: IL2RB (interleukin 2 receptor subunit beta; minus strand). Cytogenetic location: 22q12.3.
Variant type: single nucleotide variant.
Coding change: c.1418G>A on transcript NM_000878.5 (MANE Select); coding-DNA position 1418, G replaced by A.
Protein change: p.Gly473Glu; replaces glycine 473 with glutamic acid.
Molecular consequence: missense variant.
Genome position (GRCh38, 1-based): chr22:37,128,334, C>T on the plus strand (G>A on the coding strand, the complement: IL2RB is on the minus strand). VCF-style: chr22-37128334-C-T. GRCh37 (hg19) VCF-style: chr22-37524374-C-T.
Other names: c.1418G>A, p.Gly473Glu (NM_001346222.1, NM_001346223.2); short protein forms G473E.
Identifiers: ClinVar variation 1429022 (VCV001429022.6), dbSNP rs2146223395, ClinGen allele CA411424136.